The following is an entry in ClinVar:

NM_003721.4(RFXANK):c.533A>T (p.Glu178Val)

Gene: RFXANK (regulatory factor X associated ankyrin containing protein; plus strand). Cytogenetic location: 19p13.11.
Variant type: single nucleotide variant.
Coding change: c.533A>T on transcript NM_003721.4 (MANE Select); coding-DNA position 533, A replaced by T.
Protein change: p.Glu178Val; replaces glutamic acid 178 with valine.
Molecular consequence: missense variant.
Genome position (GRCh38, 1-based): chr19:19,198,201, A>T. VCF-style: chr19-19198201-A-T. GRCh37 (hg19) VCF-style: chr19-19309010-A-T.
Other names: c.467A>T, p.Glu156Val (NM_001278727.2, NM_001370234.1); c.464A>T, p.Glu155Val (NM_001278728.2, NM_134440.3); c.533A>T, p.Glu178Val (NM_001370233.1, NM_001370238.1); c.530A>T, p.Glu177Val (NM_001370235.1, NM_001370236.1, NM_001370237.1); short protein forms E155V, E156V, E177V, E178V.
Identifiers: ClinVar variation 2061070 (VCV002061070.2), dbSNP rs372111384, ClinGen allele CA404896262.

ClinVar aggregate classification (germline): Uncertain significance (1 of 4 stars; one submission).

Conditions:
MHC class II deficiency. Also called: Bare lymphocyte syndrome 2; BLS, TYPE II. Identifiers: Orphanet 572, MedGen C5447452, MONDO:0008855.

gnomAD v4.1: 14 of 1,614,034 alleles (0.00087%); highest among the groups gnomAD compares: Non-Finnish European, 0.001%; no homozygotes.

Submission:

Labcorp Genetics (formerly Invitae), Labcorp
Classification: Uncertain significance for MHC class II deficiency. Last evaluated: 2021-12-25. Review status: criteria provided, single submitter. Criteria: Invitae Variant Classification Sherloc (09022015). Collection method: clinical testing. Allele origin: germline.
Comment: In summary, the available evidence is currently insufficient to determine the role of this variant in disease. Therefore, it has been classified as a Variant of Uncertain Significance. Algorithms developed to predict the effect of sequence changes on RNA splicing suggest that this variant may create or strengthen a splice site. Algorithms developed to predict the effect of missense changes on protein structure and function (SIFT, PolyPhen-2, Align-GVGD) all suggest that this variant is likely to be tolerated. This variant has not been reported in the literature in individuals affected with RFXANK-related conditions. This variant is not present in population databases (gnomAD no frequency). This sequence change replaces glutamic acid, which is acidic and polar, with valine, which is neutral and non-polar, at codon 178 of the RFXANK protein (p.Glu178Val).